The following is an entry in ClinVar:

ClinVar aggregate classification (germline): Conflicting classifications of pathogenicity. Review status: criteria provided, conflicting classifications (1 of 4 stars). 5 submissions from 5 submitters: Uncertain significance (3); Likely benign (2). Last evaluated 2024-10-21.

Conditions:
Cardiomyopathy (CMYO). Also called: Cardiomyopathies. Identifiers: Orphanet 167848, MedGen C0878544, MONDO:0004994, HP:0001638. Inheritance: Various modes of inheritance.
Lethal congenital glycogen storage disease of heart. Also called: PHOSPHORYLASE KINASE DEFICIENCY OF HEART; GLYCOGEN STORAGE DISEASE OF HEART. Identifiers: Orphanet 439854, MedGen C1849813, MONDO:0009867, OMIM 261740.

gnomAD v4.1: 16 of 1,601,678 alleles (0.001%); highest among the groups gnomAD compares: Non-Finnish European, 0.0014%; no homozygotes.

Submissions (5):

Color Diagnostics, LLC DBA Color Health
Classification: Likely benign for Cardiomyopathy. Last evaluated: 2024-10-21. Review status: criteria provided, single submitter. Criteria: ACMG Guidelines, 2015. Collection method: clinical testing. Allele origin: germline.

Labcorp Genetics (formerly Invitae), Labcorp
Classification: Likely benign for Lethal congenital glycogen storage disease of heart. Last evaluated: 2022-12-20. Review status: criteria provided, single submitter. Criteria: Invitae Variant Classification Sherloc (09022015). Collection method: clinical testing. Allele origin: germline.

CeGaT Center for Human Genetics Tuebingen
Classification: Uncertain significance. Last evaluated: 2022-06-01. Review status: criteria provided, single submitter. Criteria: CeGaT Center For Human Genetics Tuebingen Variant Classification Criteria Version 2. Collection method: clinical testing. Allele origin: germline. Affected: yes. Observed: 1 variant allele.
Comment: PRKAG2: PM2, BP4

Blueprint Genetics
Classification: Uncertain significance. Last evaluated: 2020-03-26. Review status: criteria provided, single submitter. Criteria: ACMG Guidelines, 2015. Collection method: clinical testing. Allele origin: germline.

GeneDx
Classification: Uncertain significance. Last evaluated: 2019-05-15. Review status: criteria provided, single submitter. Criteria: GeneDx Variant Classification Process June 2021. Collection method: clinical testing. Allele origin: germline. Affected: yes.
Comment: Has not been previously published as pathogenic or benign to our knowledge; Not observed in large population cohorts (Lek et al., 2016); In-silico analysis, which includes splice predictors and evolutionary conservation, is inconclusive as to whether the variant alters gene splicing. In the absence of RNA/functional studies, the actual effect of this sequence change is unknown.; Located in a region that tolerates variation and lacks pathogenic variants

NM_016203.4(PRKAG2):c.1052-4A>G

Gene: PRKAG2 (protein kinase AMP-activated non-catalytic subunit gamma 2; minus strand). Cytogenetic location: 7q36.1.
Variant type: single nucleotide variant.
Coding change: c.1052-4A>G on transcript NM_016203.4 (MANE Select); 4 bases into the intron before coding-DNA position 1052, A replaced by G.
Molecular consequence: intron variant.
Genome position (GRCh38, 1-based): chr7:151,570,229, T>C on the plus strand (A>G on the coding strand, the complement: PRKAG2 is on the minus strand). VCF-style: chr7-151570229-T-C. GRCh37 (hg19) VCF-style: chr7-151267315-T-C.
Other names: c.920-4A>G (NM_001040633.2); c.677-4A>G (NM_001304527.2); c.680-4A>G (NM_001363698.2); c.329-4A>G (NM_001304531.2, NM_024429.2).
Identifiers: ClinVar variation 636415 (VCV000636415.37), dbSNP rs977597576, ClinGen allele CA169166673.